The following is an entry in ClinVar:

NM_004104.5(FASN):c.2867-4A>T

Gene: FASN (fatty acid synthase; minus strand). Cytogenetic location: 17q25.3.
Variant type: single nucleotide variant.
Coding change: c.2867-4A>T on transcript NM_004104.5 (MANE Select); 4 bases into the intron before coding-DNA position 2867, A replaced by T.
Molecular consequence: intron variant.
Genome position (GRCh38, 1-based): chr17:82,087,865, T>A on the plus strand (A>T on the coding strand, the complement: FASN is on the minus strand). VCF-style: chr17-82087865-T-A. GRCh37 (hg19) VCF-style: chr17-80045741-T-A.
Identifiers: ClinVar variation 2028189 (VCV002028189.4), dbSNP rs2509837835, ClinGen allele CA2580095372.

ClinVar aggregate classification (germline): Uncertain significance (1 of 4 stars; one submission).

Conditions:
Epileptic encephalopathy. Identifiers: MedGen C0543888, HP:0200134.

Submission:

Labcorp Genetics (formerly Invitae), Labcorp
Classification: Uncertain significance for Epileptic encephalopathy. Last evaluated: 2022-08-31. Review status: criteria provided, single submitter. Criteria: Invitae Variant Classification Sherloc (09022015). Collection method: clinical testing. Allele origin: germline.
Comment: This variant has not been reported in the literature in individuals affected with FASN-related conditions. This sequence change falls in intron 18 of the FASN gene. It does not directly change the encoded amino acid sequence of the FASN protein. This variant is not present in population databases (gnomAD no frequency). Algorithms developed to predict the effect of sequence changes on RNA splicing suggest that this variant may create or strengthen a splice site. In summary, the available evidence is currently insufficient to determine the role of this variant in disease. Therefore, it has been classified as a Variant of Uncertain Significance.